The following is an entry in ClinVar:

ClinVar aggregate classification (germline): Benign. Review status: criteria provided, multiple submitters, no conflicts (2 of 4 stars). 6 submissions from 6 submitters: Benign (6). Last evaluated 2026-02-04.

Conditions:
Primary ciliary dyskinesia. Also called: Ciliary dyskinesia. Identifiers: Orphanet 244, MedGen C0008780, MONDO:0016575, HP:0012265.
Primary ciliary dyskinesia 7. Also called: CILIARY DYSKINESIA, PRIMARY, 7, WITH OR WITHOUT SITUS INVERSUS. Identifiers: Orphanet 244, MedGen C2678473, MONDO:0012748, OMIM 611884.

Submissions (6):

Labcorp Genetics (formerly Invitae), Labcorp
Classification: Benign for Primary ciliary dyskinesia. Last evaluated: 2026-02-04. Review status: criteria provided, single submitter. Criteria: Invitae Variant Classification Sherloc (09022015). Collection method: clinical testing. Allele origin: germline.

ARUP Laboratories, Molecular Genetics and Genomics, ARUP Laboratories
Classification: Benign for Primary ciliary dyskinesia 7. Last evaluated: 2025-07-29. Review status: criteria provided, single submitter. Criteria: ARUP Molecular Germline Variant Investigation Process 2024. Collection method: clinical testing. Allele origin: germline.

Ambry Genetics
Classification: Benign for Primary ciliary dyskinesia. Last evaluated: 2022-04-04. Review status: criteria provided, single submitter. Criteria: Ambry Variant Classification Scheme 2023. Collection method: clinical testing. Allele origin: germline.

Eurofins Ntd Llc (ga)
Classification: Benign. Last evaluated: 2013-10-28. Review status: criteria provided, single submitter. Criteria: EGL Classification Definitions 2015. Collection method: clinical testing. Allele origin: germline. Observed: 1 variant allele, 1 homozygote.

Laboratory for Molecular Medicine, Mass General Brigham Personalized Medicine
Classification: Benign. Last evaluated: 2013-10-11. Review status: criteria provided, single submitter. Criteria: LMM Criteria. Collection method: clinical testing. Allele origin: germline. Observed: 68 variant alleles.
Comment: Glu34Leu (c.100_101delinsTT) in exon 1 of DNAH11: This variant is not expected t o have clinical significance because it has been identified in ~45% (3331/7390) of European American chromosomes from a broad population by the NHLBI Exome Sequ encing Project (dbSNP rs2285943 & dbSNP rs2285 944).

PreventionGenetics, part of Exact Sciences
Classification: Benign. Review status: criteria provided, single submitter. Criteria: ACMG Guidelines, 2015. Collection method: clinical testing. Allele origin: germline.

NM_001277115.2(DNAH11):c.100_101delinsTT (p.Glu34Leu)

Gene: DNAH11 (dynein axonemal heavy chain 11; plus strand). Cytogenetic location: 7p15.3.
Variant type: Indel.
Coding change: c.100_101delinsTT on transcript NM_001277115.2 (MANE Select); coding-DNA positions 100 to 101, GA replaced by TT.
Protein change: p.Glu34Leu; replaces glutamic acid 34 with leucine.
Molecular consequence: missense variant.
Genome position (GRCh38, 1-based): chr7:21,543,345-21,543,346, GA replaced by TT. VCF-style: chr7-21543345-GA-TT. GRCh37 (hg19) VCF-style: chr7-21582963-GA-TT.
Other names: short protein forms E34L.
Identifiers: ClinVar variation 93682 (VCV000093682.33), dbSNP rs398123604, ClinGen allele CA210983.
Genomic context (GRCh38, chr7:21,543,345, plus strand): 5'-AGAGAAGCCCCGACCCTTCGCCTAACCTCGGGGGCCGGCCTGGAGGCAGTGGGCGCTGTG[GA>TT]GCTCGAGGAGGAGGAGGAGAACGAGGAGGAGGCGGCGGCCAGGAGAGCGCGGAGTTTCGC-3'
Protein context (NP_001264044.1, residues 24-44): GAGLEAVGAV[Glu34Leu]LEEEEENEEE